The following is an entry in ClinVar:

NM_001110556.2(FLNA):c.309G>A (p.Gln103=)

Gene: FLNA (filamin A; minus strand). Cytogenetic location: Xq28.
Variant type: single nucleotide variant.
Coding change: c.309G>A on transcript NM_001110556.2 (MANE Select); coding-DNA position 309, G replaced by A.
Protein change: p.Gln103=; no amino-acid change (glutamine 103 retained).
Molecular consequence: synonymous variant.
Genome position (GRCh38, 1-based): chrX:154,370,937, C>T on the plus strand (G>A on the coding strand, the complement: FLNA is on the minus strand). VCF-style: chrX-154370937-C-T. GRCh37 (hg19) VCF-style: chrX-153599305-C-T.
Other names: c.309G>A, p.Gln103= (NM_001456.4).
Identifiers: ClinVar variation 2575022 (VCV002575022.1), dbSNP rs2522771339, ClinGen allele CA519277332.

ClinVar aggregate classification (germline): Uncertain significance (1 of 4 stars; one submission).

Submission:

GeneDx
Classification: Uncertain significance. Last evaluated: 2023-02-03. Review status: criteria provided, single submitter. Criteria: GeneDx Variant Classification Process June 2021. Collection method: clinical testing. Allele origin: germline. Affected: yes.
Comment: Has not been previously published as pathogenic or benign to our knowledge; Not observed at significant frequency in large population cohorts (gnomAD); In silico analysis supports that this variant does not alter splicing